The following is an entry in ClinVar:

ClinVar aggregate classification (germline): Uncertain significance (1 of 4 stars; one submission).

Submission:

Labcorp Genetics (formerly Invitae), Labcorp
Classification: Uncertain significance. Last evaluated: 2025-03-04. Review status: criteria provided, single submitter. Criteria: Invitae Variant Classification Sherloc (09022015). Collection method: clinical testing. Allele origin: germline.
Comment: This sequence change replaces tryptophan, which is neutral and slightly polar, with arginine, which is basic and polar, at codon 50 of the HSD17B3 protein (p.Trp50Arg). This variant is not present in population databases (gnomAD no frequency). This variant has not been reported in the literature in individuals affected with HSD17B3-related conditions. Invitae Evidence Modeling of protein sequence and biophysical properties (such as structural, functional, and spatial information, amino acid conservation, physicochemical variation, residue mobility, and thermodynamic stability) indicates that this missense variant is expected to disrupt HSD17B3 protein function with a positive predictive value of 80%. In summary, the available evidence is currently insufficient to determine the role of this variant in disease. Therefore, it has been classified as a Variant of Uncertain Significance.

NM_000197.2(HSD17B3):c.148T>C (p.Trp50Arg)

Genes: HSD17B3 (hydroxysteroid 17-beta dehydrogenase 3; minus strand), SLC35D2-HSD17B3 (SLC35D2-HSD17B3 readthrough; minus strand). Cytogenetic location: 9q22.32.
Variant type: single nucleotide variant.
Coding change: c.148T>C on transcript NM_000197.2 (MANE Select); coding-DNA position 148, T replaced by C.
Protein change: p.Trp50Arg; replaces tryptophan 50 with arginine.
Molecular consequence: missense variant. On other transcripts: non-coding transcript variant (1).
Genome position (GRCh38, 1-based): chr9:96,301,957, A>G on the plus strand (T>C on the coding strand, the complement: HSD17B3 is on the minus strand). VCF-style: chr9-96301957-A-G. GRCh37 (hg19) VCF-style: chr9-99064239-A-G.
Other names: short protein forms W50R.
Identifiers: ClinVar variation 3667607 (VCV003667607.2).